The following is an entry in ClinVar:

NM_020964.3(EPG5):c.5667+4T>C

Gene: EPG5 (ectopic P-granules 5 autophagy tethering factor; minus strand). Cytogenetic location: 18q12.3.
Variant type: single nucleotide variant.
Coding change: c.5667+4T>C on transcript NM_020964.3 (MANE Select); 4 bases into the intron after coding-DNA position 5667, T replaced by C.
Molecular consequence: intron variant.
Genome position (GRCh38, 1-based): chr18:45,880,071, A>G on the plus strand (T>C on the coding strand, the complement: EPG5 is on the minus strand). VCF-style: chr18-45880071-A-G. GRCh37 (hg19) VCF-style: chr18-43460036-A-G.
Identifiers: ClinVar variation 840473 (VCV000840473.12), dbSNP rs2049058336, ClinGen allele CA916083641.

ClinVar aggregate classification (germline): Uncertain significance (1 of 4 stars; one submission).

Conditions:
Vici syndrome (VICIS). Identifiers: Orphanet 1493, MedGen C1855772, MONDO:0009452, OMIM 242840.

Submission:

Labcorp Genetics (formerly Invitae), Labcorp
Classification: Uncertain significance for Vici syndrome. Last evaluated: 2023-08-30. Review status: criteria provided, single submitter. Criteria: Invitae Variant Classification Sherloc (09022015). Collection method: clinical testing. Allele origin: germline.
Comment: This sequence change falls in intron 32 of the EPG5 gene. It does not directly change the encoded amino acid sequence of the EPG5 protein. It affects a nucleotide within the consensus splice site. This variant is not present in population databases (gnomAD no frequency). This variant has not been reported in the literature in individuals affected with EPG5-related conditions. ClinVar contains an entry for this variant (Variation ID: 840473). Variants that disrupt the consensus splice site are a relatively common cause of aberrant splicing (PMID: 17576681, 9536098). Algorithms developed to predict the effect of sequence changes on RNA splicing suggest that this variant is not likely to affect RNA splicing. In summary, the available evidence is currently insufficient to determine the role of this variant in disease. Therefore, it has been classified as a Variant of Uncertain Significance.

Literature cited by the submitters: PubMed 17576681; PubMed 9536098.